The following is an entry in ClinVar:

NM_002074.5(GNB1):c.917-3C>T

Gene: GNB1 (G protein subunit beta 1; minus strand). Cytogenetic location: 1p36.33.
Variant type: single nucleotide variant.
Coding change: c.917-3C>T on transcript NM_002074.5 (MANE Select); 3 bases into the intron before coding-DNA position 917, C replaced by T.
Molecular consequence: intron variant.
Genome position (GRCh38, 1-based): chr1:1,787,440, G>A on the plus strand (C>T on the coding strand, the complement: GNB1 is on the minus strand). VCF-style: chr1-1787440-G-A. GRCh37 (hg19) VCF-style: chr1-1718879-G-A.
Other names: c.917-3C>T (NM_001282539.2); c.617-3C>T (NM_001282538.2).
Identifiers: ClinVar variation 3651322 (VCV003651322.2).
Genomic context (GRCh38, chr1:1,787,440, plus strand): 5'-ATGCCATCGTCAGTCACGCCCAGGCAGCTGACGCGGTTGTCATGCCCAGCCAAGACACCT[G>A]GGAGCAAACAACAGCAGAATCACACCAAAGCCCAGAGGCATCGATCTCACCTGTGTGCCA-3'

ClinVar aggregate classification (germline): Uncertain significance (1 of 4 stars; one submission).

gnomAD v4.1: 1 of 1,586,882 alleles (0.000063%); highest among the groups gnomAD compares: Non-Finnish European, 0.000087%; no homozygotes.

Submission:

Labcorp Genetics (formerly Invitae), Labcorp
Classification: Uncertain significance. Last evaluated: 2024-04-27. Review status: criteria provided, single submitter. Criteria: Invitae Variant Classification Sherloc (09022015). Collection method: clinical testing. Allele origin: germline.
Comment: This sequence change falls in intron 10 of the GNB1 gene. It does not directly change the encoded amino acid sequence of the GNB1 protein. It affects a nucleotide within the consensus splice site. This variant is not present in population databases (gnomAD no frequency). This variant has not been reported in the literature in individuals affected with GNB1-related conditions. Variants that disrupt the consensus splice site are a relatively common cause of aberrant splicing (PMID: 17576681, 9536098). Algorithms developed to predict the effect of sequence changes on RNA splicing suggest that this variant is not likely to affect RNA splicing. In summary, the available evidence is currently insufficient to determine the role of this variant in disease. Therefore, it has been classified as a Variant of Uncertain Significance.

Literature cited by the submitters: PubMed 17576681; PubMed 9536098.